The following is an entry in ClinVar:

ClinVar aggregate classification (germline): Uncertain significance (1 of 4 stars; one submission).

Submission:

GeneDx
Classification: Uncertain significance. Last evaluated: 2024-08-15. Review status: criteria provided, single submitter. Criteria: GeneDx Variant Classification Process June 2021. Collection method: clinical testing. Allele origin: germline. Affected: yes.
Comment: Not observed at significant frequency in large population cohorts (gnomAD); In silico analysis supports that this missense variant has a deleterious effect on protein structure/function; Has not been previously published as pathogenic or benign to our knowledge

NM_001353345.2(SETD1B):c.3818G>T (p.Gly1273Val)

Gene: SETD1B (SET domain containing 1B, histone lysine methyltransferase; plus strand). Cytogenetic location: 12q24.31.
Variant type: single nucleotide variant.
Coding change: c.3818G>T on transcript NM_001353345.2 (MANE Select); coding-DNA position 3818, G replaced by T.
Protein change: p.Gly1273Val; replaces glycine 1273 with valine.
Molecular consequence: missense variant.
Genome position (GRCh38, 1-based): chr12:121,819,803, G>T. VCF-style: chr12-121819803-G-T. GRCh37 (hg19) VCF-style: chr12-122257709-G-T.
Other names: short protein forms G1273V.
Identifiers: ClinVar variation 3731212 (VCV003731212.1).